The following is an entry in ClinVar:

NM_033004.4(NLRP1):c.3881G>A (p.Gly1294Glu)

Gene: NLRP1 (NLR family pyrin domain containing 1; minus strand). Cytogenetic location: 17p13.2.
Variant type: single nucleotide variant.
Coding change: c.3881G>A on transcript NM_033004.4 (MANE Select); coding-DNA position 3881, G replaced by A.
Protein change: p.Gly1294Glu; replaces glycine 1294 with glutamic acid.
Molecular consequence: missense variant. On other transcripts: intron variant (2).
Genome position (GRCh38, 1-based): chr17:5,520,915, C>T on the plus strand (G>A on the coding strand, the complement: NLRP1 is on the minus strand). VCF-style: chr17-5520915-C-T. GRCh37 (hg19) VCF-style: chr17-5424235-C-T.
Other names: c.3893G>A, p.Gly1298Glu (NM_001033053.3); c.3791G>A, p.Gly1264Glu (NM_033006.4); c.3693+609G>A (NM_033007.4); c.3783+609G>A (NM_014922.5); short protein forms G1264E, G1298E, G1294E.
Identifiers: ClinVar variation 1481953 (VCV001481953.8), dbSNP rs370329115, ClinGen allele CA397388724.

ClinVar aggregate classification (germline): Uncertain significance (1 of 4 stars; one submission).

gnomAD v4.1: 24 of 1,611,076 alleles (0.0015%); highest among the groups gnomAD compares: South Asian, 0.021%; no homozygotes.

Submission:

Labcorp Genetics (formerly Invitae), Labcorp
Classification: Uncertain significance. Last evaluated: 2025-11-12. Review status: criteria provided, single submitter. Criteria: Invitae Variant Classification Sherloc (09022015). Collection method: clinical testing. Allele origin: germline.
Comment: This sequence change replaces glycine, which is neutral and non-polar, with glutamic acid, which is acidic and polar, at codon 1294 of the NLRP1 protein (p.Gly1294Glu). This variant is present in population databases (no rsID available, gnomAD 0.02%). This variant has not been reported in the literature in individuals affected with NLRP1-related conditions. ClinVar contains an entry for this variant (Variation ID: 1481953). An algorithm developed to predict the effect of missense changes on protein structure and function (PolyPhen-2) suggests that this variant is likely to be disruptive. In summary, the available evidence is currently insufficient to determine the role of this variant in disease. Therefore, it has been classified as a Variant of Uncertain Significance.